The following is an entry in ClinVar:

ClinVar aggregate classification (germline): Uncertain significance. Review status: criteria provided, multiple submitters, no conflicts (2 of 4 stars). 2 submissions from 2 submitters: Uncertain significance (2). Last evaluated 2025-11-03.

Allele frequency attached by ClinVar (database versions not stated): ExAC 0.00001.
gnomAD v4.1: 6 of 1,614,124 alleles (0.00037%); highest among the groups gnomAD compares: Non-Finnish European, 0.00051%; no homozygotes.

Submissions (2):

Labcorp Genetics (formerly Invitae), Labcorp
Classification: Uncertain significance. Last evaluated: 2025-11-03. Review status: criteria provided, single submitter. Criteria: Invitae Variant Classification Sherloc (09022015). Collection method: clinical testing. Allele origin: germline.
Comment: This sequence change replaces arginine, which is basic and polar, with tryptophan, which is neutral and slightly polar, at codon 90 of the FCHO1 protein (p.Arg90Trp). This variant is not present in population databases (gnomAD no frequency). This variant has not been reported in the literature in individuals affected with FCHO1-related conditions. ClinVar contains an entry for this variant (Variation ID: 1364340). An algorithm developed to predict the effect of missense changes on protein structure and function (PolyPhen-2) suggests that this variant is likely to be tolerated. In summary, the available evidence is currently insufficient to determine the role of this variant in disease. Therefore, it has been classified as a Variant of Uncertain Significance.

Ambry Genetics
Classification: Uncertain significance. Last evaluated: 2025-06-18. Review status: criteria provided, single submitter. Criteria: Ambry Variant Classification Scheme 2023. Collection method: clinical testing. Allele origin: germline.

NM_015122.3(FCHO1):c.268C>T (p.Arg90Trp)

Gene: FCHO1 (FCH and mu domain containing endocytic adaptor 1; plus strand). Cytogenetic location: 19p13.11.
Variant type: single nucleotide variant.
Coding change: c.268C>T on transcript NM_015122.3 (MANE Select); coding-DNA position 268, C replaced by T.
Protein change: p.Arg90Trp; replaces arginine 90 with tryptophan.
Molecular consequence: missense variant. On other transcripts: non-coding transcript variant (34).
Genome position (GRCh38, 1-based): chr19:17,766,742, C>T. VCF-style: chr19-17766742-C-T. GRCh37 (hg19) VCF-style: chr19-17877551-C-T.
Other names: c.268C>T (NM_001161357.1); c.268C>T, p.Arg90Trp (NM_001384401.1, NM_001384402.1, NM_001161357.2 and 29 more transcripts); c.118C>T, p.Arg40Trp (NM_001161359.2, NM_001384406.1, NM_001384407.1 and 3 more transcripts); c.193C>T, p.Arg65Trp (NM_001384390.1); short protein forms R40W, R90W, R65W.
Identifiers: ClinVar variation 1364340 (VCV001364340.7), dbSNP rs763015274, ClinGen allele CA9300033.